The following is an entry in ClinVar:

ClinVar aggregate classification (germline): Uncertain significance (1 of 4 stars; one submission).

Submission:

Labcorp Genetics (formerly Invitae), Labcorp
Classification: Uncertain significance. Last evaluated: 2020-08-14. Review status: criteria provided, single submitter. Criteria: Invitae Variant Classification Sherloc (09022015). Collection method: clinical testing. Allele origin: germline.
Comment: In summary, the available evidence is currently insufficient to determine the role of this variant in disease. Therefore, it has been classified as a Variant of Uncertain Significance. Algorithms developed to predict the effect of missense changes on protein structure and function (SIFT, PolyPhen-2, Align-GVGD) all suggest that this variant is likely to be disruptive, but these predictions have not been confirmed by published functional studies and their clinical significance is uncertain. This variant has not been reported in the literature in individuals with AVPR2-related conditions. This variant is not present in population databases (ExAC no frequency). This sequence change replaces glutamine with arginine at codon 119 of the AVPR2 protein (p.Gln119Arg). The glutamine residue is highly conserved and there is a small physicochemical difference between glutamine and arginine.

NM_000054.7(AVPR2):c.356A>G (p.Gln119Arg)

Gene: AVPR2 (arginine vasopressin receptor 2; plus strand). Cytogenetic location: Xq28.
Variant type: single nucleotide variant.
Coding change: c.356A>G on transcript NM_000054.7 (MANE Select); coding-DNA position 356, A replaced by G.
Protein change: p.Gln119Arg; replaces glutamine 119 with arginine.
Molecular consequence: missense variant.
Genome position (GRCh38, 1-based): chrX:153,905,862, A>G. VCF-style: chrX-153905862-A-G. GRCh37 (hg19) VCF-style: chrX-153171316-A-G.
Other names: c.356A>G, p.Gln119Arg (NM_001146151.3); short protein forms Q119R.
Identifiers: ClinVar variation 1038995 (VCV001038995.8), dbSNP rs2064960929, ClinGen allele CA415105294.